The following is an entry in ClinVar:

ClinVar aggregate classification (germline): Benign/Likely benign. Review status: criteria provided, multiple submitters, no conflicts (2 of 4 stars). 4 submissions from 4 submitters: Benign (1); Likely benign (3). Last evaluated 2026-01-20.

Conditions:
Primary ciliary dyskinesia 13. Also called: CILIARY DYSKINESIA, PRIMARY, 13, WITH OR WITHOUT SITUS INVERSUS. Identifiers: Orphanet 244, MedGen C2750790, MONDO:0013174, OMIM 613193.
Primary ciliary dyskinesia. Also called: Ciliary dyskinesia. Identifiers: Orphanet 244, MedGen C0008780, MONDO:0016575, HP:0012265.

Allele frequency attached by ClinVar (database versions not stated): gnomAD 0.00012 and 0.00120; TOPMed 0.00014; ESP Exome Variant Server 0.00015; gnomAD exomes 0.00371; ExAC 0.00431; 1000 Genomes Project 0.00879.
gnomAD v4.1: 3,017 of 1,610,782 alleles (0.19%); highest among the groups gnomAD compares: South Asian, 3%; 75 homozygotes.

Submissions (4):

Labcorp Genetics (formerly Invitae), Labcorp
Classification: Benign for Primary ciliary dyskinesia. Last evaluated: 2026-01-20. Review status: criteria provided, single submitter. Criteria: Invitae Variant Classification Sherloc (09022015). Collection method: clinical testing. Allele origin: germline.

GeneDx
Classification: Likely benign. Last evaluated: 2021-05-25. Review status: criteria provided, single submitter. Criteria: GeneDx Variant Classification Process June 2021. Collection method: clinical testing. Allele origin: germline. Affected: yes.
Comment: See Variant Classification Assertion Criteria.

Illumina Laboratory Services, Illumina
Classification: Likely benign for Primary ciliary dyskinesia 13. Last evaluated: 2018-01-13. Review status: criteria provided, single submitter. Criteria: ICSL Variant Classification Criteria 13 December 2019. Collection method: clinical testing. Allele origin: germline.
Comment: This variant was observed in the ICSL laboratory as part of a predisposition screen in an ostensibly healthy population. It had not been previously curated by ICSL or reported in the Human Gene Mutation Database (HGMD: prior to June 1st, 2018), and was therefore a candidate for classification through an automated scoring system. Utilizing variant allele frequency, disease prevalence and penetrance estimates, and inheritance mode, an automated score was calculated to assess if this variant is too frequent to cause the disease. Based on the score and internal cut-off values, a variant classified as likely benign is not then subjected to further curation. The score for this variant resulted in a classification of likely benign for this disease.

PreventionGenetics, part of Exact Sciences
Classification: Likely benign. Review status: criteria provided, single submitter. Criteria: ACMG Guidelines, 2015. Collection method: clinical testing. Allele origin: germline.

NM_178452.6(DNAAF1):c.1030+14C>T

Gene: DNAAF1 (dynein axonemal assembly factor 1; plus strand). Cytogenetic location: 16q24.1.
Variant type: single nucleotide variant.
Coding change: c.1030+14C>T on transcript NM_178452.6 (MANE Select); 14 bases into the intron after coding-DNA position 1030, C replaced by T.
Molecular consequence: intron variant. On other transcripts: synonymous variant (1).
Genome position (GRCh38, 1-based): chr16:84,165,963, C>T. VCF-style: chr16-84165963-C-T. GRCh37 (hg19) VCF-style: chr16-84199569-C-T.
Other names: c.288C>T, p.Ala96= (NM_001318756.1).
Identifiers: ClinVar variation 262935 (VCV000262935.15), dbSNP rs202113269, ClinGen allele CA8202701.